The following is an entry in ClinVar:

NM_001365276.2(TNXB):c.3188C>G (p.Pro1063Arg)

Gene: TNXB (tenascin XB; minus strand). Cytogenetic location: 6p21.33.
Variant type: single nucleotide variant.
Coding change: c.3188C>G on transcript NM_001365276.2 (MANE Select); coding-DNA position 3188, C replaced by G.
Protein change: p.Pro1063Arg; replaces proline 1063 with arginine.
Molecular consequence: missense variant.
Genome position (GRCh38, 1-based): chr6:32,084,670, G>C on the plus strand (C>G on the coding strand, the complement: TNXB is on the minus strand). VCF-style: chr6-32084670-G-C. GRCh37 (hg19) VCF-style: chr6-32052447-G-C.
Other names: c.3929C>G, p.Pro1310Arg (NM_001428335.1); c.3188C>G, p.Pro1063Arg (NM_019105.8); short protein forms P1063R, P1310R.
Identifiers: ClinVar variation 4847647 (VCV004847647.1).
Genomic context (GRCh38, chr6:32,084,670, plus strand): 5'-GTCCAGCGCAGGAGCAAGGAGTCGGAGGTCCTGTCTGTCACCGTCAGCTCACCCAGGCGT[G>C]GTGGGCCTGAGGACTTCCCAGGCTTCTCCTCATCCTTGTCTGGAGTTTGAGAGGCAAAAG-3'
Protein context (NP_001352205.1, residues 1053-1073): EEKPGKSSGP[Pro1063Arg]RLGELTVTDR

ClinVar aggregate classification (germline): Uncertain significance (1 of 4 stars; one submission).

Submission:

Women's Health and Genetics/Laboratory Corporation of America, LabCorp
Classification: Uncertain significance. Last evaluated: 2026-03-31. Review status: criteria provided, single submitter. Criteria: LabCorp Variant Classification Summary - May 2015. Collection method: clinical testing. Allele origin: germline.
Comment: Variant summary: TNXB c.3188C>G (p.Pro1063Arg) results in a non-conservative amino acid change in the encoded protein sequence. Algorithms developed to predict the effect of missense changes on protein structure and function are either unavailable or do not agree on the potential impact of this missense change. The frequency data for this variant in gnomAD is considered unreliable, as metrics indicate poor data quality at this position. To our knowledge, no occurrence of c.3188C>G in individuals affected with TNXB-related conditions and no experimental evidence demonstrating its impact on protein function have been reported. No submitters have cited clinical-significance assessments for this variant to ClinVar. Based on the evidence outlined above, the variant was classified as uncertain significance.